The following is an entry in ClinVar:

ClinVar aggregate classification (germline): Uncertain significance (1 of 4 stars; one submission).

Conditions:
Developmental and epileptic encephalopathy, 36 (DEE36). Also called: Epileptic encephalopathy, early infantile, 36; Congenital disorder of glycosylation, type Is; ALG13-CDG. Identifiers: Orphanet 324422, MedGen C4317295, MONDO:0010472, OMIM 300884.

Allele frequency attached by ClinVar (database versions not stated): gnomAD exomes below 0.00001.
gnomAD v4.1: 2 of 1,202,869 alleles (0.00017%); highest among the groups gnomAD compares: Non-Finnish European, 0.00022%; no homozygotes.

Submission:

Labcorp Genetics (formerly Invitae), Labcorp
Classification: Uncertain significance for Developmental and epileptic encephalopathy, 36. Last evaluated: 2022-05-17. Review status: criteria provided, single submitter. Criteria: Invitae Variant Classification Sherloc (09022015). Collection method: clinical testing. Allele origin: germline.
Comment: This sequence change replaces proline, which is neutral and non-polar, with leucine, which is neutral and non-polar, at codon 1053 of the ALG13 protein (p.Pro1053Leu). This variant is present in population databases (no rsID available, gnomAD 0.01%). This variant has not been reported in the literature in individuals affected with ALG13-related conditions. Algorithms developed to predict the effect of missense changes on protein structure and function are either unavailable or do not agree on the potential impact of this missense change (SIFT: "Tolerated"; PolyPhen-2: "Possibly Damaging"; Align-GVGD: "Class C0"). In summary, the available evidence is currently insufficient to determine the role of this variant in disease. Therefore, it has been classified as a Variant of Uncertain Significance.

NM_001099922.3(ALG13):c.3158C>T (p.Pro1053Leu)

Gene: ALG13 (ALG13 UDP-N-acetylglucosaminyltransferase subunit; plus strand). Cytogenetic location: Xq23.
Variant type: single nucleotide variant.
Coding change: c.3158C>T on transcript NM_001099922.3 (MANE Select); coding-DNA position 3158, C replaced by T.
Protein change: p.Pro1053Leu; replaces proline 1053 with leucine.
Molecular consequence: missense variant. On other transcripts: non-coding transcript variant (1).
Genome position (GRCh38, 1-based): chrX:111,759,743, C>T. VCF-style: chrX-111759743-C-T. GRCh37 (hg19) VCF-style: chrX-111002971-C-T.
Other names: c.2609C>T, p.Pro870Leu (NM_001257230.2, NM_001257234.2, NM_001257237.2); c.2924C>T, p.Pro975Leu (NM_001257231.2); c.2921C>T, p.Pro974Leu (NM_001324292.2); c.2435C>T, p.Pro812Leu (NM_001324293.1); short protein forms P975L, P870L, P1053L, P812L, P974L.
Identifiers: ClinVar variation 2093175 (VCV002093175.1), dbSNP rs1244741380, ClinGen allele CA414292947.